The following is an entry in ClinVar:

ClinVar aggregate classification (germline): Uncertain significance. Review status: criteria provided, multiple submitters, no conflicts (2 of 4 stars). 2 submissions from 2 submitters: Uncertain significance (2). Last evaluated 2022-04-08.

Conditions:
RYR1-related disorder. Also called: RYR1-related condition; RYR1-related disorders. Identifiers: MedGen CN239331.

Allele frequency attached by ClinVar (database versions not stated): gnomAD exomes below 0.00001; TOPMed below 0.00001; gnomAD 0.00001.
gnomAD v4.1: 2 of 1,613,986 alleles (0.00012%); highest among the groups gnomAD compares: Admixed American, 0.0017%; no homozygotes.

Submissions (2):

GeneDx
Classification: Uncertain significance. Last evaluated: 2022-04-08. Review status: criteria provided, single submitter. Criteria: GeneDx Variant Classification Process June 2021. Collection method: clinical testing. Allele origin: germline. Affected: yes.
Comment: Not observed at significant frequency in large population cohorts (gnomAD); In silico analysis supports that this missense variant does not alter protein structure/function; Has not been previously published as pathogenic or benign to our knowledge

Labcorp Genetics (formerly Invitae), Labcorp
Classification: Uncertain significance for RYR1-related disorder. Last evaluated: 2021-08-14. Review status: criteria provided, single submitter. Criteria: Invitae Variant Classification Sherloc (09022015). Collection method: clinical testing. Allele origin: germline.
Comment: This sequence change replaces valine with methionine at codon 4951 of the RYR1 protein (p.Val4951Met). The valine residue is highly conserved and there is a small physicochemical difference between valine and methionine. This variant is not present in population databases (ExAC no frequency). This variant has not been reported in the literature in individuals affected with RYR1-related conditions. Advanced modeling of protein sequence and biophysical properties (such as structural, functional, and spatial information, amino acid conservation, physicochemical variation, residue mobility, and thermodynamic stability) performed at Invitae indicates that this missense variant is expected to disrupt RYR1 protein function. In summary, the available evidence is currently insufficient to determine the role of this variant in disease. Therefore, it has been classified as a Variant of Uncertain Significance.

NM_000540.3(RYR1):c.14851G>A (p.Val4951Met)

Gene: RYR1 (ryanodine receptor 1; plus strand). Cytogenetic location: 19q13.2.
Variant type: single nucleotide variant.
Coding change: c.14851G>A on transcript NM_000540.3 (MANE Select); coding-DNA position 14851, G replaced by A.
Protein change: p.Val4951Met; replaces valine 4951 with methionine.
Molecular consequence: missense variant.
Genome position (GRCh38, 1-based): chr19:38,585,985, G>A. VCF-style: chr19-38585985-G-A. GRCh37 (hg19) VCF-style: chr19-39076625-G-A.
Other names: c.14836G>A, p.Val4946Met (NM_001042723.2); short protein forms V4951M, V4946M.
Identifiers: ClinVar variation 1432041 (VCV001432041.6), dbSNP rs1974468078, ClinGen allele CA405692457.